The following is an entry in ClinVar:

NM_001003800.2(BICD2):c.2042C>T (p.Ser681Leu)

Gene: BICD2 (BICD cargo adaptor 2; minus strand). Cytogenetic location: 9q22.31.
Variant type: single nucleotide variant.
Coding change: c.2042C>T on transcript NM_001003800.2 (MANE Select); coding-DNA position 2042, C replaced by T.
Protein change: p.Ser681Leu; replaces serine 681 with leucine.
Molecular consequence: missense variant.
Genome position (GRCh38, 1-based): chr9:92,718,603, G>A on the plus strand (C>T on the coding strand, the complement: BICD2 is on the minus strand). VCF-style: chr9-92718603-G-A. GRCh37 (hg19) VCF-style: chr9-95480885-G-A.
Other names: c.2042C>T, p.Ser681Leu (NM_015250.4); short protein forms S681L.
Identifiers: ClinVar variation 954395 (VCV000954395.60), dbSNP rs1853375829, ClinGen allele CA374034117.

ClinVar aggregate classification (germline): Conflicting classifications of pathogenicity. Review status: criteria provided, conflicting classifications (1 of 4 stars). 6 submissions from 6 submitters: Likely pathogenic (2); Uncertain significance (3). 1 of the submissions does not count toward it. Last evaluated 2026-05-06.

Conditions:
Autosomal dominant childhood-onset proximal spinal muscular atrophy with contractures (SMALED2A). Also called: Spinal muscular atrophy, lower extremity-predominant, 2A, autosomal dominant; SPINAL MUSCULAR ATROPHY, LOWER EXTREMITY-PREDOMINANT, 2A, CHILDHOOD ONSET, AUTOSOMAL DOMINANT. Identifiers: Orphanet 363447, Orphanet 363454, MedGen C4747715, MONDO:0014121, OMIM 615290.
Inborn genetic diseases. Identifiers: MedGen C0950123, MeSH D030342.

Allele frequency attached by ClinVar (database versions not stated): gnomAD exomes below 0.00001.
gnomAD v4.1: 1 of 1,613,712 alleles (0.000062%); highest among the groups gnomAD compares: Non-Finnish European, 0.000085%; no homozygotes.

Submissions (6):

Ambry Genetics
Classification: Uncertain significance for Inborn genetic diseases. Last evaluated: 2026-05-06. Review status: criteria provided, single submitter. Criteria: Ambry Variant Classification Scheme 2023. Collection method: clinical testing. Allele origin: germline.
Comment: The c.2042C>T (p.S681L) alteration is located in exon 5 (coding exon 5) of the BICD2 gene. This alteration results from a C to T substitution at nucleotide position 2042, causing the serine (S) at amino acid position 681 to be replaced by a leucine (L). This variant was not reported in population-based cohorts in the Genome Aggregation Database (gnomAD). This variant was reported in individual(s) with features consistent with lower extremity-predominant spinal muscular atrophy 2 (Bacquet, 2018; Frasquet, 2020). This amino acid position is highly conserved in available vertebrate species. This alteration is predicted to be deleterious by in silico analysis. Based on insufficient or conflicting evidence, the clinical significance of this alteration remains unclear.

Labcorp Genetics (formerly Invitae), Labcorp
Classification: Likely pathogenic for Autosomal dominant childhood-onset proximal spinal muscular atrophy with contractures. Last evaluated: 2025-07-03. Review status: criteria provided, single submitter. Criteria: Invitae Variant Classification Sherloc (09022015). Collection method: clinical testing. Allele origin: germline.
Comment: This sequence change replaces serine, which is neutral and polar, with leucine, which is neutral and non-polar, at codon 681 of the BICD2 protein (p.Ser681Leu). This variant is not present in population databases (gnomAD no frequency). This missense change has been observed in individuals with BICD2-related conditions (PMID: 30373780, 32056343, 37337091). ClinVar contains an entry for this variant (Variation ID: 954395). Invitae Evidence Modeling of protein sequence and biophysical properties (such as structural, functional, and spatial information, amino acid conservation, physicochemical variation, residue mobility, and thermodynamic stability) has been performed for this missense variant. However, the output from this modeling did not meet the statistical confidence thresholds required to predict the impact of this variant on BICD2 protein function. In summary, the currently available evidence indicates that the variant is pathogenic, but additional data are needed to prove that conclusively. Therefore, this variant has been classified as Likely Pathogenic.

GeneDx
Classification: Likely pathogenic. Last evaluated: 2024-06-03. Review status: criteria provided, single submitter. Criteria: GeneDx Variant Classification Process June 2021. Collection method: clinical testing. Allele origin: germline.
Comment: Identified in patients with a clinical diagnosis of Charcot-Marie-Tooth diease type 2 with reported muscle weakness and foot deformities or sensory loss (PMID: 30373780, 32056343); Observed in at least one patient with non-5q proximal spinal muscular atrophy in the published literature (PMID: 37337091); In silico analysis supports that this missense variant has a deleterious effect on protein structure/function; Not observed at significant frequency in large population cohorts (gnomAD); This variant is associated with the following publications: (PMID: 32056343, 37470033, 37337091, 30373780)

CeGaT Center for Human Genetics Tuebingen
Classification: Uncertain significance. Last evaluated: 2024-04-01. Review status: criteria provided, single submitter. Criteria: CeGaT Center For Human Genetics Tuebingen Variant Classification Criteria Version 2. Collection method: clinical testing. Allele origin: germline. Affected: yes. Observed: 1 variant allele.
Comment: BICD2: PM2, PS4:Moderate

Clinical Genomics Laboratory, Washington University in St. Louis
Classification: Uncertain significance for Autosomal dominant childhood-onset proximal spinal muscular atrophy with contractures. Last evaluated: 2023-08-16. Review status: criteria provided, single submitter. Criteria: ACMG Guidelines, 2015. Collection method: clinical testing. Allele origin: germline.
Comment: The BICD2 gene c.2042C>T (p.Ser681Leu) variant has been reported in two individuals affected with spinal muscular atrophy, lower extremity-predominant, types 2A and 2B and is reported to segregate with disease in two individuals in one family (Bacquet J et al., PMID: 30373780; Frasquet M et al., PMID: 32056343). This variant is absent from the general population (gnomAD v.2.1.1), indicating it is not a common variant. Computational predictors indicate that the variant is damaging, evidence that correlates with impact to BICD2 function. This variant has been reported in the ClinVar database as a likely pathogenic variant in autosomal dominant childhood-onset proximal spinal muscular atrophy with contractures by one submitter and a variant of uncertain significance by one submitter. Due to limited information, and based on ACMG/AMP guidelines for variant interpretation (Richards S et al., PMID: 25741868), the clinical significance of this variant is uncertain at this time.

Département de Neurologie, Hospices Civils de Lyon
Classification: Likely pathogenic for Autosomal dominant childhood-onset proximal spinal muscular atrophy with contractures. Last evaluated: 2023-02-24. Review status: no assertion criteria provided. Collection method: clinical testing. Allele origin: unknown. Inheritance: Sporadic. Affected: yes. Not counted in ClinVar's aggregate classification.

Literature cited by the submitters: PubMed 30373780 (cited by Ambry Genetics and Labcorp Genetics (formerly Invitae), Labcorp); PubMed 32056343 (cited by Ambry Genetics and Labcorp Genetics (formerly Invitae), Labcorp); PubMed 37337091 (cited by Labcorp Genetics (formerly Invitae), Labcorp).